The following is an entry in ClinVar:

NM_006767.4(LZTR1):c.511T>C (p.Leu171=)

Gene: LZTR1 (leucine zipper like post translational regulator 1; plus strand). Cytogenetic location: 22q11.21.
Variant type: single nucleotide variant.
Coding change: c.511T>C on transcript NM_006767.4 (MANE Select); coding-DNA position 511, T replaced by C.
Protein change: p.Leu171=; no amino-acid change (leucine 171 retained).
Molecular consequence: synonymous variant.
Genome position (GRCh38, 1-based): chr22:20,988,790, T>C. VCF-style: chr22-20988790-T-C. GRCh37 (hg19) VCF-style: chr22-21343079-T-C.
Identifiers: ClinVar variation 1745477 (VCV001745477.19), dbSNP rs984104866, ClinGen allele CA322324145.

ClinVar aggregate classification (germline): Likely benign. Review status: criteria provided, multiple submitters, no conflicts (2 of 4 stars). 2 submissions from 2 submitters: Likely benign (2). Last evaluated 2024-07-01.

Conditions:
Cardiovascular phenotype. Identifiers: MedGen CN230736.
Hereditary cancer-predisposing syndrome. Also called: Hereditary neoplastic syndrome; Neoplastic Syndromes, Hereditary; Tumor predisposition; Hereditary Cancer Syndrome. Identifiers: Orphanet 140162, MedGen C0027672, MeSH D009386, MONDO:0015356.

Allele frequency attached by ClinVar (database versions not stated): gnomAD exomes below 0.00001; TOPMed below 0.00001.
gnomAD v4.1: 3 of 1,613,618 alleles (0.00019%); highest among the groups gnomAD compares: Non-Finnish European, 0.00025%; no homozygotes.

Submissions (2):

CeGaT Center for Human Genetics Tuebingen
Classification: Likely benign. Last evaluated: 2024-07-01. Review status: criteria provided, single submitter. Criteria: CeGaT Center For Human Genetics Tuebingen Variant Classification Criteria Version 2. Collection method: clinical testing. Allele origin: germline. Affected: yes. Observed: 1 variant allele.
Comment: LZTR1: PM2:Supporting, BP4, BP7

Ambry Genetics
Classification: Likely benign for Cardiovascular phenotype; Hereditary cancer-predisposing syndrome. Last evaluated: 2022-07-01. Review status: criteria provided, single submitter. Criteria: Ambry Variant Classification Scheme 2023. Collection method: clinical testing. Allele origin: germline.